The following is an entry in ClinVar:

NM_000369.5(TSHR):c.1348del (p.Arg450fs)

Genes: TSHR (thyroid stimulating hormone receptor; plus strand), TSHR-AS1 (TSHR antisense RNA 1; minus strand). Cytogenetic location: 14q31.1.
Variant type: Deletion.
Coding change: c.1348del on transcript NM_000369.5 (MANE Select); coding-DNA position 1348, one base deleted (C; older notation c.1348delC).
Protein change: p.Arg450fs; shifts the reading frame from arginine 450.
Molecular consequence: frameshift variant.
Genome position (GRCh38, 1-based): chr14:81,143,406, C deleted; the last of 5 consecutive C bases (chr14:81,143,402-81,143,406); deleting any one gives the same sequence. VCF-style (leftmost placement, unchanged base first): chr14-81143401-TC-T. GRCh37 (hg19) VCF-style: chr14-81609745-TC-T.
Other names: c.1348delC (NM_000369.5); short protein forms R450fs.
Identifiers: ClinVar variation 3233814 (VCV003233814.3), dbSNP rs1291324306, ClinGen allele CA615669715.

ClinVar aggregate classification (germline): Pathogenic. Review status: criteria provided, single submitter (1 of 4 stars). 2 submissions from 1 submitter: Pathogenic (2). Last evaluated 2024-03-22.

Conditions:
Smith-Lemli-Opitz syndrome (SLOS). Also called: POLYDACTYLY, SEX REVERSAL, RENAL HYPOPLASIA, AND UNILOBAR LUNG; RSH SYNDROME; RUTLEDGE LETHAL MULTIPLE CONGENITAL ANOMALY SYNDROME; 7-Dehydrocholesterol reductase deficiency; LETHAL ACRODYSGENITAL SYNDROME. Identifiers: Orphanet 818, MedGen C0175694, MONDO:0010035, OMIM 270400.
Hypothyroidism due to TSH receptor mutations. Also called: HYPOTHYROIDISM DUE TO UNRESPONSIVENESS TO THYROTROPIN; HYPOTHYROIDISM, CONGENITAL, DUE TO TSH RESISTANCE; HYPOTHYROIDISM, NONAUTOIMMUNE; THYROID-STIMULATING HORMONE, RESISTANCE TO; TSH RESISTANCE; Hypothyroidism, congenital, nongoitrous, 1. Identifiers: Orphanet 90673, MedGen C3493776, MONDO:0010142, OMIM 275200.

Submissions (2):

Women's Health and Genetics/Laboratory Corporation of America, LabCorp
Classification: Pathogenic for Hypothyroidism due to TSH receptor mutations. Last evaluated: 2024-03-22. Review status: criteria provided, single submitter. Criteria: LabCorp Variant Classification Summary - May 2015. Collection method: clinical testing. Allele origin: germline.
Comment: Variant summary: TSHR c.1348delC (p.Arg450AlafsX24) results in a premature termination codon, predicted to cause a truncation of the encoded protein. Althrough NMD is not expected, variants downstream have been classified as pathogenic by our laboratory and also observed in ClinVar. The variant allele was found at a frequency of 4e-06 in 251482 control chromosomes. c.1348delC has been reported in the literature in individuals affected with Hypothyroidism (Park_2021). To our knowledge, no experimental evidence demonstrating an impact on protein function has been reported. The following publication have been ascertained in the context of this evaluation (PMID: 34200080). No submitters have cited clinical-significance assessments for this variant to ClinVar. Based on the evidence outlined above, the variant was classified as pathogenic.

Women's Health and Genetics/Laboratory Corporation of America, LabCorp
Classification: Pathogenic for Smith-Lemli-Opitz syndrome. Last evaluated: 2024-03-22. Review status: criteria provided, single submitter. Criteria: LabCorp Variant Classification Summary - May 2015. Collection method: clinical testing. Allele origin: germline.
Comment: Variant summary: DHCR7 c.1348delC (p.Arg450AlafsX31) located in the last exon (exon 9) causes a frameshift which results in an extension of the protein. The variant was absent in 248600 control chromosomes. c.1348delC has been reported in the literature in one heterozygous individual who had a near normal ratio of fractional choloesterol synthesis (Wassif_2005). These report(s) do not provide unequivocal conclusions about association of the variant with Smith-Lemli-Opitz Syndrome. To our knowledge, no experimental evidence demonstrating an impact on protein function has been reported. Two clinical diagnostic laboratories have submitted clinical-significance assessments for this variant to ClinVar after 2014 without evidence for independent evaluation. One laboratory classified the variant as likely pathogenic, and one laboratory classified the variant as uncertain significance. Based on the evidence outlined above, the variant was classified as likely pathogenic.

Literature cited by the submitters: PubMed 34200080.